The following is an entry in ClinVar:

NM_198576.4(AGRN):c.5948C>T (p.Thr1983Met)

Gene: AGRN (agrin; plus strand). Cytogenetic location: 1p36.33.
Variant type: single nucleotide variant.
Coding change: c.5948C>T on transcript NM_198576.4 (MANE Select); coding-DNA position 5948, C replaced by T.
Protein change: p.Thr1983Met; replaces threonine 1983 with methionine.
Molecular consequence: missense variant.
Genome position (GRCh38, 1-based): chr1:1,054,519, C>T. VCF-style: chr1-1054519-C-T. GRCh37 (hg19) VCF-style: chr1-989899-C-T.
Other names: c.6017C>T, p.Thr2006Met (NM_001305275.2); c.5645C>T, p.Thr1882Met (NM_001364727.2); short protein forms T1983M, T1882M, T2006M.
Identifiers: ClinVar variation 474162 (VCV000474162.7), dbSNP rs147569326, ClinGen allele CA510286.

ClinVar aggregate classification (germline): Uncertain significance (1 of 4 stars; one submission).

Conditions:
Congenital myasthenic syndrome 8. Also called: Myasthenic syndrome, congenital, 8, with pre- and postsynaptic defects; MYASTHENIC SYNDROME, CONGENITAL, DUE TO AGRIN DEFICIENCY. Identifiers: Orphanet 590, MedGen C3808739, MONDO:0014052, OMIM 615120.

Allele frequency attached by ClinVar (database versions not stated): gnomAD exomes 0.00008 and 0.00019; gnomAD 0.00009 and 0.00010; TOPMed 0.00011; ESP Exome Variant Server 0.00015; ExAC 0.00017.
gnomAD v4.1: 303 of 1,602,664 alleles (0.019%); highest among the groups gnomAD compares: Non-Finnish European, 0.024%; 1 homozygote.

Submission:

Labcorp Genetics (formerly Invitae), Labcorp
Classification: Uncertain significance for Congenital myasthenic syndrome 8. Last evaluated: 2025-06-20. Review status: criteria provided, single submitter. Criteria: Invitae Variant Classification Sherloc (09022015). Collection method: clinical testing. Allele origin: germline.
Comment: This sequence change replaces threonine, which is neutral and polar, with methionine, which is neutral and non-polar, at codon 1983 of the AGRN protein (p.Thr1983Met). This variant is present in population databases (rs147569326, gnomAD 0.02%). This variant has not been reported in the literature in individuals affected with AGRN-related conditions. ClinVar contains an entry for this variant (Variation ID: 474162). An algorithm developed to predict the effect of missense changes on protein structure and function (PolyPhen-2) suggests that this variant is likely to be disruptive. In summary, the available evidence is currently insufficient to determine the role of this variant in disease. Therefore, it has been classified as a Variant of Uncertain Significance.